The following is an entry in ClinVar:

NM_001199799.2(ILDR1):c.225A>G (p.Ser75=)

Gene: ILDR1 (immunoglobulin like domain containing receptor 1; minus strand). Cytogenetic location: 3q13.33.
Variant type: single nucleotide variant.
Coding change: c.225A>G on transcript NM_001199799.2 (MANE Select); coding-DNA position 225, A replaced by G.
Protein change: p.Ser75=; no amino-acid change (serine 75 retained).
Molecular consequence: synonymous variant.
Genome position (GRCh38, 1-based): chr3:122,006,995, T>C on the plus strand (A>G on the coding strand, the complement: ILDR1 is on the minus strand). VCF-style: chr3-122006995-T-C. GRCh37 (hg19) VCF-style: chr3-121725842-T-C.
Other names: c.225A>G, p.Ser75= (NM_001199800.2, NM_175924.4).
Identifiers: ClinVar variation 227440 (VCV000227440.16), dbSNP rs146402126, ClinGen allele CA2569017.

ClinVar aggregate classification (germline): Benign/Likely benign. Review status: criteria provided, multiple submitters, no conflicts (2 of 4 stars). 4 submissions from 4 submitters: Benign (1); Likely benign (3). Last evaluated 2024-09-09.

Allele frequency attached by ClinVar (database versions not stated): gnomAD exomes 0.00009 and 0.00028; ExAC 0.00041; gnomAD 0.00094 and 0.00098; ESP Exome Variant Server 0.00100; TOPMed 0.00107; 1000 Genomes Project 0.00120; 1000 Genomes Project 30x 0.00141.

Submissions (4):

Blueprint Genetics
Classification: Likely benign. Last evaluated: 2024-09-09. Review status: criteria provided, single submitter. Criteria: ACMG Guidelines, 2015. Collection method: clinical testing. Allele origin: germline.

Labcorp Genetics (formerly Invitae), Labcorp
Classification: Benign. Last evaluated: 2024-06-25. Review status: criteria provided, single submitter. Criteria: Invitae Variant Classification Sherloc (09022015). Collection method: clinical testing. Allele origin: germline.

GeneDx
Classification: Likely benign. Last evaluated: 2021-01-26. Review status: criteria provided, single submitter. Criteria: GeneDx Variant Classification Process June 2021. Collection method: clinical testing. Allele origin: germline. Affected: yes.

Laboratory for Molecular Medicine, Mass General Brigham Personalized Medicine
Classification: Likely benign. Last evaluated: 2012-04-30. Review status: criteria provided, single submitter. Criteria: LMM Criteria. Collection method: clinical testing. Allele origin: germline. Observed: 1 variant allele.
Comment: Ser75Ser in Exon 02 of ILDR1: This variant is not expected to have clinical sign ificance because it does not alter an amino acid residue, is not located within the splice consensus sequence, and has been identified in 0.3% (12/3738) of Afri can American chromosomes from a broad population by the NHLBI Exome Sequencing P roject (dbSNP rs146402126).